The following is an entry in ClinVar:

NM_152558.5(IQCE):c.2042del (p.Asp681fs)

Gene: IQCE (IQ motif containing E; plus strand). Cytogenetic location: 7p22.3.
Variant type: Deletion.
Coding change: c.2042del on transcript NM_152558.5 (MANE Select); coding-DNA position 2042, one base deleted (A; older notation c.2042delA).
Protein change: p.Asp681fs; shifts the reading frame from aspartic acid 681.
Molecular consequence: frameshift variant.
Genome position (GRCh38, 1-based): chr7:2,610,116, A deleted. VCF-style (leftmost placement, unchanged base first): chr7-2610115-GA-G. GRCh37 (hg19) VCF-style: chr7-2649749-GA-G.
Other names: c.1847del, p.Asp616fs (NM_001287501.2); c.1994del, p.Asp665fs (NM_001410865.1); short protein forms D616fs, D665fs, D681fs.
Identifiers: ClinVar variation 3342735 (VCV003342735.1).
Genomic context (GRCh38, chr7:2,610,115, plus strand): 5'-TCAGGGCCACAGGCCTTGGCACCTCTACCTGGGGATGACGTCAACTCCGATGATTCCGAC[GA>G]TATTGTCATTGCACCGTCTCTGCCCACGAAGAACTTTCCAGTTTAGGTCCCCGTCACTGT-3'

ClinVar aggregate classification (germline): Uncertain significance (1 of 4 stars; one submission).

Submission:

GeneDx
Classification: Uncertain significance. Last evaluated: 2022-12-05. Review status: criteria provided, single submitter. Criteria: GeneDx Variant Classification Process June 2021. Collection method: clinical testing. Allele origin: germline. Affected: yes.
Comment: Not observed at significant frequency in large population cohorts (gnomAD); Frameshift variant predicted to result in protein truncation or nonsense mediated decay in a gene or region of a gene for which loss of function is not a well-established mechanism of disease; Has not been previously published as pathogenic or benign to our knowledge; Variants in candidate genes are classified as variants of uncertain significance in accordance with ACMG guidelines (Richards et al., 2015)